The following is an entry in ClinVar:

NM_015386.3(COG4):c.171+18T>C

Gene: COG4 (component of oligomeric golgi complex 4; minus strand). Cytogenetic location: 16q22.1.
Variant type: single nucleotide variant.
Coding change: c.171+18T>C on transcript NM_015386.3 (MANE Select); 18 bases into the intron after coding-DNA position 171, T replaced by C.
Molecular consequence: intron variant.
Genome position (GRCh38, 1-based): chr16:70,523,355, A>G on the plus strand (T>C on the coding strand, the complement: COG4 is on the minus strand). VCF-style: chr16-70523355-A-G. GRCh37 (hg19) VCF-style: chr16-70557258-A-G.
Other names: c.159+18T>C (NM_001195139.2); c.-429+18T>C (NM_001365426.1).
Identifiers: ClinVar variation 95695 (VCV000095695.14), dbSNP rs16970260, ClinGen allele CA148763.

ClinVar aggregate classification (germline): Benign. Review status: criteria provided, multiple submitters, no conflicts (2 of 4 stars). 4 submissions from 4 submitters: Benign (4). Last evaluated 2026-01-27.

Conditions:
COG4-congenital disorder of glycosylation. Also called: COG4-CDG; CONGENITAL DISORDER OF GLYCOSYLATION, TYPE IIj; CDG IIj. Identifiers: Orphanet 263501, MedGen C4303552, MONDO:0013281, OMIM 613489.

Allele frequency attached by ClinVar (database versions not stated): gnomAD exomes 0.01271 and 0.03262; TOPMed 0.13489; 1000 Genomes Project 30x 0.13554; ExAC 0.03922; gnomAD 0.12105 and 0.13009; 1000 Genomes Project 0.12400; ESP Exome Variant Server 0.13389.
gnomAD v4.1: 37,838 of 1,613,778 alleles (2.3%); highest among the groups gnomAD compares: African/African-American, 42%; 6,804 homozygotes.

Submissions (4):

Labcorp Genetics (formerly Invitae), Labcorp
Classification: Benign for COG4-congenital disorder of glycosylation. Last evaluated: 2026-01-27. Review status: criteria provided, single submitter. Criteria: Invitae Variant Classification Sherloc (09022015). Collection method: clinical testing. Allele origin: germline.

GeneDx
Classification: Benign. Last evaluated: 2015-12-22. Review status: criteria provided, single submitter. Criteria: GeneDx Variant Classification (06012015). Collection method: clinical testing. Allele origin: germline. Affected: yes.
Comment: This variant is considered likely benign or benign based on one or more of the following criteria: it is a conservative change, it occurs at a poorly conserved position in the protein, it is predicted to be benign by multiple in silico algorithms, and/or has population frequency not consistent with disease.

Eurofins Ntd Llc (ga)
Classification: Benign. Last evaluated: 2013-07-24. Review status: criteria provided, single submitter. Criteria: EGL Classification Definitions 2015. Collection method: clinical testing. Allele origin: germline. Observed: 1 variant allele, 1 heterozygote.

Breakthrough Genomics
Classification: Benign. Review status: criteria provided, single submitter. Criteria: ACMG Guidelines, 2015. Collection method: not provided. Allele origin: germline. Inheritance: Autosomal recessive inheritance. Affected: yes.